The following is an entry in ClinVar:

ClinVar aggregate classification (germline): Uncertain significance (1 of 4 stars; one submission).

gnomAD v4.1: 16 of 1,614,130 alleles (0.00099%); highest among the groups gnomAD compares: South Asian, 0.0033%; no homozygotes.

Submission:

Women's Health and Genetics/Laboratory Corporation of America, LabCorp
Classification: Uncertain significance. Last evaluated: 2025-11-25. Review status: criteria provided, single submitter. Criteria: LabCorp Variant Classification Summary - May 2015. Collection method: clinical testing. Allele origin: germline.
Comment: Variant summary: FA2H c.380G>A (p.Arg127Gln) results in a conservative amino acid change in the encoded protein sequence. Algorithms developed to predict the effect of missense changes on protein structure and function are either unavailable or do not agree on the potential impact of this missense change. The variant allele was found at a frequency of 1.2e-05 in 251338 control chromosomes. The available data on variant occurrences in the general population are insufficient to allow any conclusion about variant significance. To our knowledge, no occurrence of c.380G>A in individuals affected with FA2H-related conditions and no experimental evidence demonstrating its impact on protein function have been reported. No submitters have cited clinical-significance assessments for this variant to ClinVar. Based on the evidence outlined above, the variant was classified as uncertain significance.

NM_024306.5(FA2H):c.380G>A (p.Arg127Gln)

Gene: FA2H (fatty acid 2-hydroxylase; minus strand). Cytogenetic location: 16q23.1.
Variant type: single nucleotide variant.
Coding change: c.380G>A on transcript NM_024306.5 (MANE Select); coding-DNA position 380, G replaced by A.
Protein change: p.Arg127Gln; replaces arginine 127 with glutamine.
Molecular consequence: missense variant.
Genome position (GRCh38, 1-based): chr16:74,727,370, C>T on the plus strand (G>A on the coding strand, the complement: FA2H is on the minus strand). VCF-style: chr16-74727370-C-T. GRCh37 (hg19) VCF-style: chr16-74761268-C-T.
Other names: short protein forms R127Q.
Identifiers: ClinVar variation 4537186 (VCV004537186.1).